The following is an entry in ClinVar:

ClinVar aggregate classification (germline): Uncertain significance (1 of 4 stars; one submission).

Conditions:
Cardiovascular phenotype. Identifiers: MedGen CN230736.

Allele frequency attached by ClinVar (database versions not stated): ExAC 0.00001; gnomAD exomes 0.00001.
gnomAD v4.1: 4 of 1,614,180 alleles (0.00025%); highest among the groups gnomAD compares: Non-Finnish European, 0.00025%; no homozygotes.

Submission:

Ambry Genetics
Classification: Uncertain significance for Cardiovascular phenotype. Last evaluated: 2023-05-06. Review status: criteria provided, single submitter. Criteria: Ambry Variant Classification Scheme 2023. Collection method: clinical testing. Allele origin: germline.
Comment: The p.N1627K variant (also known as c.4881T>G), located in coding exon 26 of the APOB gene, results from a T to G substitution at nucleotide position 4881. The asparagine at codon 1627 is replaced by lysine, an amino acid with similar properties. This amino acid position is conserved. In addition, this alteration is predicted to be tolerated by in silico analysis. Since supporting evidence is limited at this time, the clinical significance of this alteration remains unclear.

NM_000384.3(APOB):c.4881T>G (p.Asn1627Lys)

Gene: APOB (apolipoprotein B; minus strand). Cytogenetic location: 2p24.1.
Variant type: single nucleotide variant.
Coding change: c.4881T>G on transcript NM_000384.3 (MANE Select); coding-DNA position 4881, T replaced by G.
Protein change: p.Asn1627Lys; replaces asparagine 1627 with lysine.
Molecular consequence: missense variant.
Genome position (GRCh38, 1-based): chr2:21,011,987, A>C on the plus strand (T>G on the coding strand, the complement: APOB is on the minus strand). VCF-style: chr2-21011987-A-C. GRCh37 (hg19) VCF-style: chr2-21234859-A-C.
Other names: short protein forms N1627K.
Identifiers: ClinVar variation 2565856 (VCV002565856.2), dbSNP rs760365614, ClinGen allele CA061350.